The following is an entry in ClinVar:

ClinVar aggregate classification (germline): Uncertain significance (1 of 4 stars; one submission).

Conditions:
Amyotrophic lateral sclerosis type 21. Also called: VOCAL CORD AND PHARYNGEAL DYSFUNCTION WITH DISTAL MYOPATHY; MYOPATHY, DISTAL, 2. Identifiers: Orphanet 600, Orphanet 803, MedGen C3807521, MONDO:0011632, OMIM 606070.

Submission:

Labcorp Genetics (formerly Invitae), Labcorp
Classification: Uncertain significance for Amyotrophic lateral sclerosis type 21. Last evaluated: 2022-06-17. Review status: criteria provided, single submitter. Criteria: Invitae Variant Classification Sherloc (09022015). Collection method: clinical testing. Allele origin: germline.
Comment: This variant is not present in population databases (gnomAD no frequency). This sequence change replaces isoleucine, which is neutral and non-polar, with valine, which is neutral and non-polar, at codon 735 of the MATR3 protein (p.Ile735Val). This variant has not been reported in the literature in individuals affected with MATR3-related conditions. In summary, the available evidence is currently insufficient to determine the role of this variant in disease. Therefore, it has been classified as a Variant of Uncertain Significance. Algorithms developed to predict the effect of missense changes on protein structure and function (SIFT, PolyPhen-2, Align-GVGD) all suggest that this variant is likely to be tolerated.

NM_018834.6(MATR3):c.2203A>G (p.Ile735Val)

Gene: MATR3 (matrin 3; plus strand). Cytogenetic location: 5q31.2.
Variant type: single nucleotide variant.
Coding change: c.2203A>G on transcript NM_018834.6 (MANE Select); coding-DNA position 2203, A replaced by G.
Protein change: p.Ile735Val; replaces isoleucine 735 with valine.
Molecular consequence: missense variant.
Genome position (GRCh38, 1-based): chr5:139,325,494, A>G. VCF-style: chr5-139325494-A-G. GRCh37 (hg19) VCF-style: chr5-138661183-A-G.
Other names: c.2203A>G, p.Ile735Val (NM_001194954.2, NM_001194955.2, NM_001400447.1 and 11 more transcripts); c.1339A>G, p.Ile447Val (NM_001194956.2); c.1189A>G, p.Ile397Val (NM_001282278.2, NM_001400462.1, NM_001400463.1 and 4 more transcripts); c.2347A>G, p.Ile783Val (NM_001400441.1, NM_001400442.1, NM_001400443.1 and 2 more transcripts); c.1342A>G, p.Ile448Val (NM_001400459.1); c.1333A>G, p.Ile445Val (NM_001400460.1); c.1303A>G, p.Ile435Val (NM_001400461.1); short protein forms I435V, I397V, I448V, I783V, I445V, I447V, I735V.
Identifiers: ClinVar variation 2067949 (VCV002067949.4), dbSNP rs777695336, ClinGen allele CA361146161.